The following is an entry in ClinVar:

ClinVar aggregate classification (germline): Uncertain significance (1 of 4 stars; one submission).

Allele frequency attached by ClinVar (database versions not stated): ExAC 0.00001; gnomAD exomes 0.00001; TOPMed 0.00002.
gnomAD v4.1: 8 of 1,613,060 alleles (0.0005%); highest among the groups gnomAD compares: East Asian, 0.013%; no homozygotes.

Submission:

GeneDx
Classification: Uncertain significance. Last evaluated: 2024-01-24. Review status: criteria provided, single submitter. Criteria: GeneDx Variant Classification Process June 2021. Collection method: clinical testing. Allele origin: germline. Affected: yes.
Comment: Observed in a patient with Hirschsprung disease in published literature who was also heterozygous for an apparently de novo variant in the RET gene (PMID: 14633923); Not observed at significant frequency in large population cohorts (gnomAD); In silico analysis supports that this missense variant does not alter protein structure/function; This variant is associated with the following publications: (PMID: 14633923)

NM_207034.3(EDN3):c.144G>C (p.Glu48Asp)

Gene: EDN3 (endothelin 3; plus strand). Cytogenetic location: 20q13.32.
Variant type: single nucleotide variant.
Coding change: c.144G>C on transcript NM_207034.3 (MANE Select); coding-DNA position 144, G replaced by C.
Protein change: p.Glu48Asp; replaces glutamic acid 48 with aspartic acid.
Molecular consequence: missense variant.
Genome position (GRCh38, 1-based): chr20:59,301,501, G>C. VCF-style: chr20-59301501-G-C. GRCh37 (hg19) VCF-style: chr20-57876556-G-C.
Other names: c.144G>C, p.Glu48Asp (NM_001302455.2, NM_001302456.2, NM_001424361.1 and 4 more transcripts); short protein forms E48D.
Identifiers: ClinVar variation 3252810 (VCV003252810.1), dbSNP rs749180844.
Genomic context (GRCh38, chr20:59,301,501, plus strand): 5'-TGGCAGGCGCGGCGTGTCCCAGGCCCCCACTGCAGCCAGATCTGAGGGGGACTGTGAAGA[G>C]ACTGTGGCTGGCCCTGGCGAGGAGACTGTGGCTGGCCCTGGCGAGGGGACTGTGGCCCCG-3'
Protein context (NP_996917.1, residues 38-58): TAARSEGDCE[Glu48Asp]TVAGPGEETV